The following is an entry in ClinVar:

NM_005228.5(EGFR):c.863G>A (p.Gly288Asp)

Gene: EGFR (epidermal growth factor receptor; plus strand). Cytogenetic location: 7p11.2.
Variant type: single nucleotide variant.
Coding change: c.863G>A on transcript NM_005228.5 (MANE Select); coding-DNA position 863, G replaced by A.
Protein change: p.Gly288Asp; replaces glycine 288 with aspartic acid.
Molecular consequence: missense variant. On other transcripts: intron variant (1).
Genome position (GRCh38, 1-based): chr7:55,154,126, G>A. VCF-style: chr7-55154126-G-A. GRCh37 (hg19) VCF-style: chr7-55221819-G-A.
Other names: c.728G>A, p.Gly243Asp (NM_001346897.2, NM_001346899.2); c.863G>A, p.Gly288Asp (NM_001346898.2, NM_201282.2, NM_201283.2 and 1 more transcripts); c.704G>A, p.Gly235Asp (NM_001346900.2); c.89-1704G>A (NM_001346941.2); short protein forms G235D, G243D, G288D.
Identifiers: ClinVar variation 3020166 (VCV003020166.4), dbSNP rs2128935127, ClinGen allele CA367577844.

ClinVar aggregate classification (germline): Uncertain significance. Review status: criteria provided, multiple submitters, no conflicts (2 of 4 stars). 2 submissions from 2 submitters: Uncertain significance (2). Last evaluated 2026-01-29.

Conditions:
EGFR-related lung cancer (EGFR). Identifiers: MedGen CN130014.
Hereditary cancer-predisposing syndrome. Also called: Neoplastic Syndromes, Hereditary; Tumor predisposition; Hereditary Cancer Syndrome; Hereditary neoplastic syndrome. Identifiers: Orphanet 140162, MedGen C0027672, MeSH D009386, MONDO:0015356.

Submissions (2):

Ambry Genetics
Classification: Uncertain significance for Hereditary cancer-predisposing syndrome. Last evaluated: 2026-01-29. Review status: criteria provided, single submitter. Criteria: Ambry Variant Classification Scheme 2023. Collection method: clinical testing. Allele origin: germline.
Comment: The p.G288D variant (also known as c.863G>A), located in coding exon 7 of the EGFR gene, results from a G to A substitution at nucleotide position 863. The glycine at codon 288 is replaced by aspartic acid, an amino acid with similar properties. This amino acid position is highly conserved in available vertebrate species. In addition, this alteration is predicted to be deleterious by in silico analysis. Based on the available evidence, the clinical significance of this variant remains unclear.

Labcorp Genetics (formerly Invitae), Labcorp
Classification: Uncertain significance for EGFR-related lung cancer. Last evaluated: 2023-05-07. Review status: criteria provided, single submitter. Criteria: Invitae Variant Classification Sherloc (09022015). Collection method: clinical testing. Allele origin: germline.
Comment: In summary, the available evidence is currently insufficient to determine the role of this variant in disease. Therefore, it has been classified as a Variant of Uncertain Significance. Advanced modeling of protein sequence and biophysical properties (such as structural, functional, and spatial information, amino acid conservation, physicochemical variation, residue mobility, and thermodynamic stability) performed at Invitae indicates that this missense variant is expected to disrupt EGFR protein function. This variant has not been reported in the literature in individuals affected with EGFR-related conditions. This variant is not present in population databases (gnomAD no frequency). This sequence change replaces glycine, which is neutral and non-polar, with aspartic acid, which is acidic and polar, at codon 288 of the EGFR protein (p.Gly288Asp).